The following is an entry in ClinVar:

ClinVar aggregate classification (germline): Uncertain significance (1 of 4 stars; one submission).

gnomAD v4.1: 2 of 1,614,058 alleles (0.00012%); highest among the groups gnomAD compares: Non-Finnish European, 0.00017%; no homozygotes.

Submission:

Labcorp Genetics (formerly Invitae), Labcorp
Classification: Uncertain significance. Last evaluated: 2024-03-13. Review status: criteria provided, single submitter. Criteria: Invitae Variant Classification Sherloc (09022015). Collection method: clinical testing. Allele origin: germline.
Comment: This sequence change replaces serine, which is neutral and polar, with threonine, which is neutral and polar, at codon 600 of the KMT2A protein (p.Ser600Thr). This variant is not present in population databases (gnomAD no frequency). This variant has not been reported in the literature in individuals affected with KMT2A-related conditions. Advanced modeling of protein sequence and biophysical properties (such as structural, functional, and spatial information, amino acid conservation, physicochemical variation, residue mobility, and thermodynamic stability) performed at Invitae indicates that this missense variant is not expected to disrupt KMT2A protein function with a negative predictive value of 95%. In summary, the available evidence is currently insufficient to determine the role of this variant in disease. Therefore, it has been classified as a Variant of Uncertain Significance.

NM_001197104.2(KMT2A):c.1798T>A (p.Ser600Thr)

Gene: KMT2A (lysine methyltransferase 2A; plus strand). Cytogenetic location: 11q23.3.
Variant type: single nucleotide variant.
Coding change: c.1798T>A on transcript NM_001197104.2 (MANE Select); coding-DNA position 1798, T replaced by A.
Protein change: p.Ser600Thr; replaces serine 600 with threonine.
Molecular consequence: missense variant.
Genome position (GRCh38, 1-based): chr11:118,472,957, T>A. VCF-style: chr11-118472957-T-A. GRCh37 (hg19) VCF-style: chr11-118343672-T-A.
Other names: c.1897T>A, p.Ser633Thr (NM_001412597.1); c.1798T>A, p.Ser600Thr (NM_005933.4); short protein forms S600T, S633T.
Identifiers: ClinVar variation 3634306 (VCV003634306.2).